The following is an entry in ClinVar:

ClinVar aggregate classification (germline): Uncertain significance (1 of 4 stars; one submission).

Conditions:
Rubinstein-Taybi syndrome (RSTS). Identifiers: Orphanet 783, MedGen C0035934, MONDO:0019188.

Submission:

Labcorp Genetics (formerly Invitae), Labcorp
Classification: Uncertain significance for Rubinstein-Taybi syndrome. Last evaluated: 2025-06-02. Review status: criteria provided, single submitter. Criteria: Invitae Variant Classification Sherloc (09022015). Collection method: clinical testing. Allele origin: germline.
Comment: This sequence change replaces valine, which is neutral and non-polar, with leucine, which is neutral and non-polar, at codon 1371 of the CREBBP protein (p.Val1371Leu). This variant is not present in population databases (gnomAD no frequency). This variant has not been reported in the literature in individuals affected with CREBBP-related conditions. ClinVar contains an entry for this variant (Variation ID: 3633345). Invitae Evidence Modeling of protein sequence and biophysical properties (such as structural, functional, and spatial information, amino acid conservation, physicochemical variation, residue mobility, and thermodynamic stability) has been performed for this missense variant. However, the output from this modeling did not meet the statistical confidence thresholds required to predict the impact of this variant on CREBBP protein function. In summary, the available evidence is currently insufficient to determine the role of this variant in disease. Therefore, it has been classified as a Variant of Uncertain Significance.

NM_004380.3(CREBBP):c.4111G>C (p.Val1371Leu)

Gene: CREBBP (CREB binding lysine acetyltransferase; minus strand). Cytogenetic location: 16p13.3.
Variant type: single nucleotide variant.
Coding change: c.4111G>C on transcript NM_004380.3 (MANE Select); coding-DNA position 4111, G replaced by C.
Protein change: p.Val1371Leu; replaces valine 1371 with leucine.
Molecular consequence: missense variant.
Genome position (GRCh38, 1-based): chr16:3,740,421, C>G on the plus strand (G>C on the coding strand, the complement: CREBBP is on the minus strand). VCF-style: chr16-3740421-C-G. GRCh37 (hg19) VCF-style: chr16-3790422-C-G.
Other names: c.3997G>C, p.Val1333Leu (NM_001079846.1); short protein forms V1371L, V1333L.
Identifiers: ClinVar variation 3633345 (VCV003633345.2).